The following is an entry in ClinVar:

NM_005431.2(XRCC2):c.839G>A (p.Cys280Tyr)

Gene: XRCC2 (X-ray repair cross complementing 2; minus strand). Cytogenetic location: 7q36.1.
Variant type: single nucleotide variant.
Coding change: c.839G>A on transcript NM_005431.2 (MANE Select); coding-DNA position 839, G replaced by A.
Protein change: p.Cys280Tyr; replaces cysteine 280 with tyrosine.
Molecular consequence: missense variant.
Genome position (GRCh38, 1-based): chr7:152,648,646, C>T on the plus strand (G>A on the coding strand, the complement: XRCC2 is on the minus strand). VCF-style: chr7-152648646-C-T. GRCh37 (hg19) VCF-style: chr7-152345731-C-T.
Other names: short protein forms C280Y.
Identifiers: ClinVar variation 1763222 (VCV001763222.2), dbSNP rs2098027074, ClinGen allele CA370197822.
Genomic context (GRCh38, chr7:152,648,646, plus strand): 5'-AAGAAAAATTTTAAGGCTTGCGTAGTACCCTGCAAAAGACTATTTTATGATGTATATCAA[C>T]AAAATTCAACCCCACTTTCTCCAATAATAAAAAAATGTTTTTTTAAACTGTTACTTTTTA-3'
Protein context (NP_005422.1, residues 270-280): FIIGESGVEF[Cys280Tyr]

ClinVar aggregate classification (germline): Uncertain significance (1 of 4 stars; one submission).

Conditions:
Hereditary cancer-predisposing syndrome. Also called: Neoplastic Syndromes, Hereditary; Tumor predisposition; Hereditary Cancer Syndrome; Hereditary neoplastic syndrome. Identifiers: Orphanet 140162, MedGen C0027672, MeSH D009386, MONDO:0015356.

Submission:

Ambry Genetics
Classification: Uncertain significance for Hereditary cancer-predisposing syndrome. Last evaluated: 2020-09-15. Review status: criteria provided, single submitter. Criteria: Ambry Variant Classification Scheme 2023. Collection method: clinical testing. Allele origin: germline.
Comment: The p.C280Y variant (also known as c.839G>A), located in coding exon 3 of the XRCC2 gene, results from a G to A substitution at nucleotide position 839. The cysteine at codon 280 is replaced by tyrosine, an amino acid with highly dissimilar properties. This amino acid position is well conserved in available vertebrate species. In addition, this alteration is predicted to be tolerated by in silico analysis. Since supporting evidence is limited at this time, the clinical significance of this alteration remains unclear.